The following is an entry in ClinVar:

NM_182961.4(SYNE1):c.6020A>G (p.Lys2007Arg)

Gene: SYNE1 (spectrin repeat containing nuclear envelope protein 1; minus strand). Cytogenetic location: 6q25.2.
Variant type: single nucleotide variant.
Coding change: c.6020A>G on transcript NM_182961.4 (MANE Select); coding-DNA position 6020, A replaced by G.
Protein change: p.Lys2007Arg; replaces lysine 2007 with arginine.
Molecular consequence: missense variant.
Genome position (GRCh38, 1-based): chr6:152,416,417, T>C on the plus strand (A>G on the coding strand, the complement: SYNE1 is on the minus strand). VCF-style: chr6-152416417-T-C. GRCh37 (hg19) VCF-style: chr6-152737552-T-C.
Other names: p.Lys2014Arg; c.6041A>G, p.Lys2014Arg (NM_033071.5); c.6041A>G (NM_033071.3); short protein forms K2007R, K2014R.
Identifiers: ClinVar variation 1701512 (VCV001701512.35), dbSNP rs754074875, ClinGen allele CA4058188.

ClinVar aggregate classification (germline): Uncertain significance. Review status: criteria provided, multiple submitters, no conflicts (2 of 4 stars). 3 submissions from 3 submitters: Uncertain significance (3). Last evaluated 2024-03-15.

Allele frequency attached by ClinVar (database versions not stated): gnomAD 0.00001 and 0.00002; gnomAD exomes 0.00001 and 0.00002; ExAC 0.00002; TOPMed 0.00002.
gnomAD v4.1: 10 of 1,614,062 alleles (0.00062%); highest among the groups gnomAD compares: South Asian, 0.0011%; no homozygotes.

Submissions (3):

Mayo Clinic Laboratories, Mayo Clinic
Classification: Uncertain significance. Last evaluated: 2024-03-15. Review status: criteria provided, single submitter. Criteria: ACMG Guidelines, 2015. Collection method: clinical testing. Allele origin: germline. Observed: 1 variant allele.
Comment: BP4

Revvity Omics, Revvity
Classification: Uncertain significance. Last evaluated: 2023-05-15. Review status: criteria provided, single submitter. Criteria: ACMG Guidelines, 2015. Collection method: clinical testing. Allele origin: germline.

CeGaT Center for Human Genetics Tuebingen
Classification: Uncertain significance. Last evaluated: 2022-07-01. Review status: criteria provided, single submitter. Criteria: CeGaT Center For Human Genetics Tuebingen Variant Classification Criteria Version 2. Collection method: clinical testing. Allele origin: germline. Affected: yes. Observed: 1 variant allele.
Comment: SYNE1: PM2, BP4